The following is an entry in ClinVar:

ClinVar aggregate classification (germline): Uncertain significance. Review status: criteria provided, multiple submitters, no conflicts (2 of 4 stars). 5 submissions from 5 submitters: Uncertain significance (4). 1 of the submissions does not count toward it. Last evaluated 2025-07-27.

Conditions:
Retinal dystrophy. Also called: Inherited retinal dystrophy. Identifiers: Orphanet 71862, MedGen C0854723, MeSH D058499, MONDO:0019118, HP:0000556.

Allele frequency attached by ClinVar (database versions not stated): ExAC below 0.00001; gnomAD exomes 0.00001 and 0.00002; TOPMed 0.00002; gnomAD 0.00003.
gnomAD v4.1: 29 of 1,535,936 alleles (0.0019%); highest among the groups gnomAD compares: Non-Finnish European, 0.002%; no homozygotes.

Submissions (5):

Labcorp Genetics (formerly Invitae), Labcorp
Classification: Uncertain significance. Last evaluated: 2025-07-27. Review status: criteria provided, single submitter. Criteria: Invitae Variant Classification Sherloc (09022015). Collection method: clinical testing. Allele origin: germline.
Comment: This sequence change replaces isoleucine, which is neutral and non-polar, with threonine, which is neutral and polar, at codon 880 of the PDZD7 protein (p.Ile880Thr). This variant is present in population databases (rs202192219, gnomAD 0.01%). This variant has not been reported in the literature in individuals affected with PDZD7-related conditions. ClinVar contains an entry for this variant (Variation ID: 929914). Experimental studies and prediction algorithms are not available or were not evaluated, and the functional significance of this variant is currently unknown. In summary, the available evidence is currently insufficient to determine the role of this variant in disease. Therefore, it has been classified as a Variant of Uncertain Significance.

GeneDx
Classification: Uncertain significance. Last evaluated: 2024-10-21. Review status: criteria provided, single submitter. Criteria: GeneDx Variant Classification Process June 2021. Collection method: clinical testing. Allele origin: germline. Affected: yes.
Comment: In silico analysis supports that this missense variant has a deleterious effect on protein structure/function; Has not been previously published as pathogenic or benign to our knowledge

Blueprint Genetics
Classification: Uncertain significance. Last evaluated: 2024-08-19. Review status: criteria provided, single submitter. Criteria: ACMG Guidelines, 2015. Collection method: clinical testing. Allele origin: germline.

Laboratory for Molecular Medicine, Mass General Brigham Personalized Medicine
Classification: Uncertain significance. Last evaluated: 2019-05-02. Review status: criteria provided, single submitter. Criteria: LMM Criteria. Collection method: clinical testing. Allele origin: germline. Observed: 1 variant allele.
Comment: The p.Ile880Thr variant in PDZD7 has not been previously reported in individuals with hearing loss but has been identified in 0.005% (4/69094) of European chromosomes by gnomAD. Computational prediction tools and conservation analysis do not provide strong support for or against an impact to the protein. In summary, the clinical significance of this variant is uncertain. ACMG/AMP Criteria applied: PM2.

Institute of Human Genetics, Univ. Regensburg, Univ. Regensburg
Classification: Uncertain significance for Retinal dystrophy. Last evaluated: 2023-01-01. Review status: no assertion criteria provided. Criteria: ACMG Guidelines, 2015. Collection method: clinical testing. Allele origin: germline. Affected: yes. Not counted in ClinVar's aggregate classification.

NM_001195263.2(PDZD7):c.2639T>C (p.Ile880Thr)

Gene: PDZD7 (PDZ domain containing 7; minus strand). Cytogenetic location: 10q24.31.
Variant type: single nucleotide variant.
Coding change: c.2639T>C on transcript NM_001195263.2 (MANE Select); coding-DNA position 2639, T replaced by C.
Protein change: p.Ile880Thr; replaces isoleucine 880 with threonine.
Molecular consequence: missense variant.
Genome position (GRCh38, 1-based): chr10:101,009,329, A>G on the plus strand (T>C on the coding strand, the complement: PDZD7 is on the minus strand). VCF-style: chr10-101009329-A-G. GRCh37 (hg19) VCF-style: chr10-102769086-A-G.
Other names: c.2639T>C (NM_001195263.1); short protein forms I880T.
Identifiers: ClinVar variation 929914 (VCV000929914.14), dbSNP rs202192219, ClinGen allele CA5653959.